The following is an entry in ClinVar:

NM_001379291.1(BRD4):c.15C>T (p.Ser5=)

Gene: BRD4 (bromodomain containing 4; minus strand). Cytogenetic location: 19p13.12.
Variant type: single nucleotide variant.
Coding change: c.15C>T on transcript NM_001379291.1 (MANE Select); coding-DNA position 15, C replaced by T.
Protein change: p.Ser5=; no amino-acid change (serine 5 retained).
Molecular consequence: synonymous variant.
Genome position (GRCh38, 1-based): chr19:15,273,085, G>A on the plus strand (C>T on the coding strand, the complement: BRD4 is on the minus strand). VCF-style: chr19-15273085-G-A. GRCh37 (hg19) VCF-style: chr19-15383896-G-A.
Other names: c.15C>T, p.Ser5= (NM_001330384.2, NM_001379292.1, NM_014299.3 and 1 more transcripts).
Identifiers: ClinVar variation 3636947 (VCV003636947.9).

ClinVar aggregate classification (germline): Likely benign. Review status: criteria provided, multiple submitters, no conflicts (2 of 4 stars). 2 submissions from 2 submitters: Likely benign (2). Last evaluated 2025-06-09.

gnomAD v4.1: 102 of 1,596,084 alleles (0.0064%); highest among the groups gnomAD compares: Middle Eastern, 0.017%; no homozygotes.

Submissions (2):

Labcorp Genetics (formerly Invitae), Labcorp
Classification: Likely benign. Last evaluated: 2025-06-09. Review status: criteria provided, single submitter. Criteria: Invitae Variant Classification Sherloc (09022015). Collection method: clinical testing. Allele origin: germline.

CeGaT Center for Human Genetics Tuebingen
Classification: Likely benign. Last evaluated: 2025-04-01. Review status: criteria provided, single submitter. Criteria: CeGaT Center For Human Genetics Tuebingen Variant Classification Criteria Version 2. Collection method: clinical testing. Allele origin: germline. Affected: yes. Observed: 1 variant allele.
Comment: BRD4: BP4, BP7